The following is an entry in ClinVar:

ClinVar aggregate classification (germline): Pathogenic. Review status: criteria provided, multiple submitters, no conflicts (2 of 4 stars). 2 submissions from 2 submitters: Pathogenic (2). Last evaluated 2020-02-12.

Conditions:
Cardiovascular phenotype. Identifiers: MedGen CN230736.
Arrhythmogenic right ventricular dysplasia 8 (ARVD8). Also called: Arrhythmogenic Right Ventricular Dysplasia/Cardiomyopathy 8; ARRHYTHMOGENIC RIGHT VENTRICULAR DYSPLASIA, FAMILIAL, 8; ARRHYTHMOGENIC RIGHT VENTRICULAR CARDIOMYOPATHY 8. Identifiers: MedGen C1843896, MONDO:0011831, OMIM 607450.
Arrhythmogenic cardiomyopathy with wooly hair and keratoderma. Also called: Carvajal syndrome; PALMOPLANTAR KERATODERMA WITH LEFT VENTRICULAR CARDIOMYOPATHY AND WOOLLY HAIR; Arrhythmogenic cardiomyopathy with woolly hair and keratoderma; Dilated cardiomyopathy with woolly hair and keratoderma. Identifiers: Orphanet 65282, MedGen C1854063, MONDO:0011581, OMIM 605676.

Submissions (2):

Ambry Genetics
Classification: Pathogenic for Cardiovascular phenotype. Last evaluated: 2020-02-12. Review status: criteria provided, single submitter. Criteria: Ambry Variant Classification Scheme 2023. Collection method: clinical testing. Allele origin: germline.
Comment: The p.W879* pathogenic mutation (also known as c.2637G>A), located in coding exon 19 of the DSP gene, results from a G to A substitution at nucleotide position 2637. This changes the amino acid from a tryptophan to a stop codon within coding exon 19. Alterations in DSP that result in haploinsufficiency or protein truncation have been reported in patients with arrhythmogenic right ventricular cardiomyopathy (ARVC) and dilated cardiomyopathy (DCM) (Fressart V et al. Europace. 2010;12(6):861-8; Elliott P et al. Circ Cardiovasc Genet. 2010;3(4):314-22; Quarta G et al. Circulation. 2011;123(23):2701-9; Garcia-Pavia P et al. Heart. 2011;97(21):1744-52; Rasmussen TB et al. Clin Genet. 2013;84(1):20-30; Pugh TJ et al. Genet Med. 2014;16(8):601-8). This alteration is expected to result in loss of function by premature protein truncation or nonsense-mediated mRNA decay. As such, this alteration is interpreted as a disease-causing mutation.

Labcorp Genetics (formerly Invitae), Labcorp
Classification: Pathogenic for Arrhythmogenic cardiomyopathy with wooly hair and keratoderma; Arrhythmogenic right ventricular dysplasia 8. Last evaluated: 2020-01-15. Review status: criteria provided, single submitter. Criteria: Invitae Variant Classification Sherloc (09022015). Collection method: clinical testing. Allele origin: germline.
Comment: For these reasons, this variant has been classified as Pathogenic. Loss-of-function variants in DSP are known to be pathogenic (PMID: 20716751, 24503780, 25227139). This variant has not been reported in the literature in individuals with DSP-related conditions. This variant is not present in population databases (ExAC no frequency). This sequence change creates a premature translational stop signal (p.Trp879*) in the DSP gene. It is expected to result in an absent or disrupted protein product.

Literature cited by the submitters: PubMed 20716751 (cited by Labcorp Genetics (formerly Invitae), Labcorp); PubMed 24503780 (cited by Labcorp Genetics (formerly Invitae), Labcorp); PubMed 25227139 (cited by Labcorp Genetics (formerly Invitae), Labcorp).

NM_004415.4(DSP):c.2637G>A (p.Trp879Ter)

Gene: DSP (desmoplakin; plus strand). Cytogenetic location: 6p24.3.
Variant type: single nucleotide variant.
Coding change: c.2637G>A on transcript NM_004415.4 (MANE Select); coding-DNA position 2637, G replaced by A.
Protein change: p.Trp879Ter; replaces tryptophan 879 with a stop codon.
Molecular consequence: nonsense.
Genome position (GRCh38, 1-based): chr6:7,576,300, G>A. VCF-style: chr6-7576300-G-A. GRCh37 (hg19) VCF-style: chr6-7576533-G-A.
Other names: c.2637G>A, p.Trp879Ter (NM_001008844.3, NM_001319034.2); short protein forms W879*.
Identifiers: ClinVar variation 1075275 (VCV001075275.12), dbSNP rs2113686447, ClinGen allele CA362681793.
Genomic context (GRCh38, chr6:7,576,300, plus strand): 5'-ACATATTTTAGGAACTAATAAGATAATGATTTTATTGTATCTATTTCCCCCCAGGTTATG[G>A]GACCTGGAGAAACAAATCAAGCAATTGAGGAATTATCGTGATAACTATCAGGCTTTCTGC-3'